The following is an entry in ClinVar:

ClinVar aggregate classification (germline): Uncertain significance. Review status: criteria provided, multiple submitters, no conflicts (2 of 4 stars). 2 submissions from 2 submitters: Uncertain significance (2). Last evaluated 2026-08-05.

Conditions:
MC4R-related disorder. Also called: MC4R-related condition.

Submissions (2):

PreventionGenetics, part of Exact Sciences
Classification: Uncertain significance for MC4R-related condition. Last evaluated: 2026-08-05. Review status: criteria provided, single submitter. Criteria: ACMG Guidelines, 2015. Collection method: clinical testing. Allele origin: germline.
Comment: The MC4R c.873_875delCAT variant is predicted to result in an in-frame deletion (p.Ile291del). This variant has been reported in the compound heterozygous state in an individual with severe obesity (Aslan et al. 2010. PubMed ID: 20733581). Functional studies with cell lines expressing this variant were devoid of measurable activity when induced by α-MSH (Aslan et al. 2010. PubMed ID: 20733581). This variant is reported in 0.040% of alleles in individuals of Ashkenazi Jewish descent in gnomAD. Although we suspect that this variant may be pathogenic, the clinical significance of this variant is classified as uncertain at this time due to insufficient functional and genetic evidence.

Labcorp Genetics (formerly Invitae), Labcorp
Classification: Uncertain significance. Last evaluated: 2023-04-27. Review status: criteria provided, single submitter. Criteria: Invitae Variant Classification Sherloc (09022015). Collection method: clinical testing. Allele origin: germline.
Comment: In summary, the available evidence is currently insufficient to determine the role of this variant in disease. Therefore, it has been classified as a Variant of Uncertain Significance. Experimental studies and prediction algorithms are not available or were not evaluated, and the functional significance of this variant is currently unknown. ClinVar contains an entry for this variant (Variation ID: 1919464). This variant has been observed in individual(s) with features of MC4R-related conditions (PMID: 32952152). This variant is present in population databases (rs754899496, gnomAD 0.04%). This variant, c.873_875del, results in the deletion of 1 amino acid(s) of the MC4R protein (p.Ile291del), but otherwise preserves the integrity of the reading frame.

Literature cited by the submitters: PubMed 32952152 (cited by Labcorp Genetics (formerly Invitae), Labcorp).

NM_005912.3(MC4R):c.873_875del (p.Ile291del)

Gene: MC4R (melanocortin 4 receptor; minus strand). Cytogenetic location: 18q21.32.
Variant type: Deletion.
Coding change: c.873_875del on transcript NM_005912.3 (MANE Select); coding-DNA positions 873 to 875, 3 bases deleted (CAT; older notation c.873_875delCAT).
Protein change: p.Ile291del; deletes isoleucine 291.
Molecular consequence: inframe deletion.
Genome position (GRCh38, 1-based): chr18:60,371,475-60,371,477, ATG deleted on the plus strand (CAT on the coding strand, the reverse complement: MC4R is on the minus strand); deleting any 3 consecutive bases within chr18:60,371,475-60,371,479 gives the same sequence; the c. name uses the placement nearest the transcript's 3' end. VCF-style (leftmost placement, unchanged base first): chr18-60371474-CATG-C. GRCh37 (hg19) VCF-style: chr18-58038707-CATG-C.
Other names: c.873_875delCAT (NM_005912.2); short protein forms I291del.
Identifiers: ClinVar variation 1919464 (VCV001919464.6), dbSNP rs754899496, ClinGen allele CA8980821.
Genomic context (GRCh38, chr18:60,371,474, plus strand): 5'-GGTTTTCCTCAGTTCTTGACTCCGGAGTGCATAAATCAGAGGATCGATGATTGAATTACA[CATG>C]ATCAGTATGAGATACAAGTTAAAGTGAGACATGAAGCACACACAATATGGATTCTGAGGA-3'